The following is an entry in ClinVar:

NM_003482.4(KMT2D):c.13570C>T (p.Arg4524Trp)

Gene: KMT2D (lysine methyltransferase 2D; minus strand). Cytogenetic location: 12q13.12.
Variant type: single nucleotide variant.
Coding change: c.13570C>T on transcript NM_003482.4 (MANE Select); coding-DNA position 13570, C replaced by T.
Protein change: p.Arg4524Trp; replaces arginine 4524 with tryptophan.
Molecular consequence: missense variant.
Genome position (GRCh38, 1-based): chr12:49,030,994, G>A on the plus strand (C>T on the coding strand, the complement: KMT2D is on the minus strand). VCF-style: chr12-49030994-G-A. GRCh37 (hg19) VCF-style: chr12-49424777-G-A.
Other names: short protein forms R4524W.
Identifiers: ClinVar variation 2703822 (VCV002703822.8), dbSNP rs778634045, ClinGen allele CA6545974.
Genomic context (GRCh38, chr12:49,030,994, plus strand): 5'-CGTCCTCCTTCCGCAGCTTCTTTCGGGAGCTCACCAACCTGTCGCTTGCCTTCTGTACCC[G>A]CTTGGGCTTCGGTGTCAAAGGCTTCCTTGCTGCTGCATCCTAAGCCAAATAAGCCCATTG-3'
Protein context (NP_003473.3, residues 4514-4534): ARKPLTPKPK[Arg4524Trp]VQKASDRLVS

ClinVar aggregate classification (germline): Conflicting classifications of pathogenicity. Review status: criteria provided, conflicting classifications (1 of 4 stars). 5 submissions from 5 submitters: Uncertain significance (2); Benign (1); Likely benign (1). 1 of the submissions does not count toward it. Last evaluated 2024-12-28.

Conditions:
Kabuki syndrome 1 (KABUK1). Also called: KMT2D-Related Kabuki Syndrome. Identifiers: Orphanet 2322, MedGen CN030661, MONDO:0007843, OMIM 147920.
Choanal atresia-athelia-hypothyroidism-delayed puberty-short stature syndrome (BCAHH). Also called: BRANCHIAL ARCH ABNORMALITIES, CHOANAL ATRESIA, ATHELIA, HEARING LOSS, AND HYPOTHYROIDISM SYNDROME. Identifiers: Orphanet 589856, MedGen C5680310, MONDO:0035651, OMIM 620186.
Kabuki syndrome. Also called: Kabuki make-up syndrome; NIIKAWA-KUROKI SYNDROME. Identifiers: Orphanet 2322, MedGen C0796004, MONDO:0016512.
KMT2D-related disorder. Also called: KMT2D-Related Disorders.

Allele frequency attached by ClinVar (database versions not stated): ExAC 0.00001; gnomAD 0.00001; gnomAD exomes 0.00001.
gnomAD v4.1: 13 of 1,613,172 alleles (0.00081%); highest among the groups gnomAD compares: Admixed American, 0.005%; no homozygotes.

Submissions (5):

Labcorp Genetics (formerly Invitae), Labcorp
Classification: Benign for Kabuki syndrome. Last evaluated: 2024-12-28. Review status: criteria provided, single submitter. Criteria: Invitae Variant Classification Sherloc (09022015). Collection method: clinical testing. Allele origin: germline.

Blueprint Genetics
Classification: Uncertain significance. Last evaluated: 2024-09-11. Review status: criteria provided, single submitter. Criteria: ACMG Guidelines, 2015. Collection method: clinical testing. Allele origin: germline.

Women's Health and Genetics/Laboratory Corporation of America, LabCorp
Classification: Likely benign. Last evaluated: 2024-09-11. Review status: criteria provided, single submitter. Criteria: LabCorp Variant Classification Summary - May 2015. Collection method: clinical testing. Allele origin: germline.
Comment: Variant summary: KMT2D c.13570C>T (p.Arg4524Trp) results in a non-conservative amino acid change in the encoded protein sequence. Four of four in-silico tools predict a damaging effect of the variant on protein function. The variant allele was found at a frequency of 8.1e-06 in 1606182 control chromosomes (gnomAD v4.1 dataset). The occurrence in several controls suggests that the variant is not causal for a dominant, high penetrance, severe, early onset disease (e.g. Kabuki Syndrome 1). To our knowledge, no occurrence of c.13570C>T in individuals affected with Kabuki Syndrome 1 and no experimental evidence demonstrating its impact on protein function have been reported. ClinVar contains an entry for this variant (Variation ID: 2703822). Based on the evidence outlined above, the variant was classified as likely benign.

Fulgent Genetics
Classification: Uncertain significance for Kabuki syndrome 1; Choanal atresia-athelia-hypothyroidism-delayed puberty-short stature syndrome. Last evaluated: 2024-05-18. Review status: criteria provided, single submitter. Criteria: ACMG Guidelines, 2015. Collection method: clinical testing. Allele origin: germline.

PreventionGenetics, part of Exact Sciences
Classification: Uncertain significance for KMT2D-related condition. Last evaluated: 2023-12-27. Review status: no assertion criteria provided. Collection method: clinical testing. Allele origin: germline. Not counted in ClinVar's aggregate classification.
Comment: The KMT2D c.13570C>T variant is predicted to result in the amino acid substitution p.Arg4524Trp. To our knowledge, this variant has not been reported in the literature. This variant is reported in 0.0028% of alleles in individuals of Latino descent in gnomAD. At this time, the clinical significance of this variant is uncertain due to the absence of conclusive functional and genetic evidence.